The following is an entry in ClinVar:

NM_025136.4(OPA3):c.455T>C (p.Leu152Pro)

Genes: OPA3 (outer mitochondrial membrane lipid metabolism regulator OPA3; minus strand), OPA3-RTN2 (OPA3-RTN2 readthrough; minus strand). Cytogenetic location: 19q13.32.
Variant type: single nucleotide variant.
Coding change: c.455T>C on transcript NM_025136.4 (MANE Select); coding-DNA position 455, T replaced by C.
Protein change: p.Leu152Pro; replaces leucine 152 with proline.
Molecular consequence: missense variant. On other transcripts: intron variant (1).
Genome position (GRCh38, 1-based): chr19:45,553,599, A>G on the plus strand (T>C on the coding strand, the complement: OPA3 is on the minus strand). VCF-style: chr19-45553599-A-G. GRCh37 (hg19) VCF-style: chr19-46056857-A-G.
Other names: c.143-24143T>C (NM_001017989.3); short protein forms L152P.
Identifiers: ClinVar variation 2078916 (VCV002078916.4), dbSNP rs2513823336, ClinGen allele CA406369910.

ClinVar aggregate classification (germline): Uncertain significance (1 of 4 stars; one submission).

Conditions:
Optic atrophy 3 (OPA3). Also called: OPTIC ATROPHY 3, AUTOSOMAL DOMINANT; Optic atrophy, cataract, and neurologic disorder; Optic atrophy 3 with cataract. Identifiers: Orphanet 67036, MedGen C1833809, MONDO:0008133, OMIM 165300.
3-Methylglutaconic aciduria type 3 (MGCA3). Also called: OPA3, AUTOSOMAL RECESSIVE; OPTIC ATROPHY 3, AUTOSOMAL RECESSIVE; OPA3-Related 3-Methylglutaconic Aciduria; Costeff Syndrome. Identifiers: Orphanet 67047, MedGen C0574084, MONDO:0009787, OMIM 258501.

Submission:

Labcorp Genetics (formerly Invitae), Labcorp
Classification: Uncertain significance for 3-Methylglutaconic aciduria type 3; Optic atrophy 3. Last evaluated: 2022-08-16. Review status: criteria provided, single submitter. Criteria: Invitae Variant Classification Sherloc (09022015). Collection method: clinical testing. Allele origin: germline.
Comment: This variant has not been reported in the literature in individuals affected with OPA3-related conditions. This variant is not present in population databases (gnomAD no frequency). This sequence change replaces leucine, which is neutral and non-polar, with proline, which is neutral and non-polar, at codon 152 of the OPA3 protein (p.Leu152Pro). Algorithms developed to predict the effect of missense changes on protein structure and function are either unavailable or do not agree on the potential impact of this missense change (SIFT: "Deleterious"; PolyPhen-2: "Probably Damaging"; Align-GVGD: "Class C0"). In summary, the available evidence is currently insufficient to determine the role of this variant in disease. Therefore, it has been classified as a Variant of Uncertain Significance.